The following is an entry in ClinVar:

NM_000384.3(APOB):c.11993C>G (p.Ser3998Cys)

Gene: APOB (apolipoprotein B; minus strand). Cytogenetic location: 2p24.1.
Variant type: single nucleotide variant.
Coding change: c.11993C>G on transcript NM_000384.3 (MANE Select); coding-DNA position 11993, C replaced by G.
Protein change: p.Ser3998Cys; replaces serine 3998 with cysteine.
Molecular consequence: missense variant.
Genome position (GRCh38, 1-based): chr2:21,004,363, G>C on the plus strand (C>G on the coding strand, the complement: APOB is on the minus strand). VCF-style: chr2-21004363-G-C. GRCh37 (hg19) VCF-style: chr2-21227235-G-C.
Other names: short protein forms S3998C.
Identifiers: ClinVar variation 3753594 (VCV003753594.2).
Genomic context (GRCh38, chr2:21,004,363, plus strand): 5'-TCGTCATCTTCATCCATATCCATGCCCACGGTGCCTACGGCTGGGGAGGCTGCTGAGGTG[G>C]AGATGCCTTTCTTGTCTTTCTGGTAGCGCAGATGGAGATCGGTGAACGCTGGGCTTTTGA-3'
Protein context (NP_000375.3, residues 3988-4008): LRYQKDKKGI[Ser3998Cys]TSAASPAVGT

ClinVar aggregate classification (germline): Uncertain significance (1 of 4 stars; one submission).

Conditions:
Familial hypobetalipoproteinemia 1. Also called: APOB-Related Familial Hypobetalipoproteinemia; Hypobetalipoproteinemia, normotriglyceridemic; Acanthocytosis with hypobetalipoproteinemia. Identifiers: MedGen C4551990, MONDO:0014252, OMIM 615558.
Hypercholesterolemia, autosomal dominant, type B (FHCL2). Also called: Familial Hypercholesterolemia Type B; APOLIPOPROTEIN B-100, FAMILIAL DEFECTIVE; APOLIPOPROTEIN B-100, FAMILIAL LIGAND-DEFECTIVE; HYPERCHOLESTEROLEMIA, FAMILIAL, DUE TO LIGAND-DEFECTIVE APOLIPOPROTEIN B; Hyperlipoproteinemia Type IIb; Familial hypercholesterolemia 2. Identifiers: MedGen C1704417, MONDO:0007751, OMIM 144010.

Submission:

Labcorp Genetics (formerly Invitae), Labcorp
Classification: Uncertain significance for Familial hypobetalipoproteinemia 1; Hypercholesterolemia, autosomal dominant, type B. Last evaluated: 2024-03-22. Review status: criteria provided, single submitter. Criteria: Invitae Variant Classification Sherloc (09022015). Collection method: clinical testing. Allele origin: germline.
Comment: This sequence change replaces serine, which is neutral and polar, with cysteine, which is neutral and slightly polar, at codon 3998 of the APOB protein (p.Ser3998Cys). This variant is not present in population databases (gnomAD no frequency). This variant has not been reported in the literature in individuals affected with APOB-related conditions. Advanced modeling of protein sequence and biophysical properties (such as structural, functional, and spatial information, amino acid conservation, physicochemical variation, residue mobility, and thermodynamic stability) performed at Invitae indicates that this missense variant is not expected to disrupt APOB protein function with a negative predictive value of 95%. In summary, the available evidence is currently insufficient to determine the role of this variant in disease. Therefore, it has been classified as a Variant of Uncertain Significance.